The following is an entry in ClinVar:

ClinVar aggregate classification (germline): Uncertain significance (1 of 4 stars; one submission).

Conditions:
Inborn genetic diseases. Identifiers: MedGen C0950123, MeSH D030342.

gnomAD v4.1: 1 of 1,614,148 alleles (0.000062%); highest among the groups gnomAD compares: South Asian, 0.0011%; no homozygotes.

Submission:

Ambry Genetics
Classification: Uncertain significance for Inborn genetic diseases. Last evaluated: 2024-12-02. Review status: criteria provided, single submitter. Criteria: Ambry Variant Classification Scheme 2023. Collection method: clinical testing. Allele origin: germline.
Comment: The p.S851F variant (also known as c.2552C>T), located in coding exon 13 of the ASXL1 gene, results from a C to T substitution at nucleotide position 2552. The serine at codon 851 is replaced by phenylalanine, an amino acid with highly dissimilar properties. This amino acid position is conserved. In addition, this alteration is predicted to be tolerated by in silico analysis. Based on the available evidence, the clinical significance of this variant remains unclear.

NM_015338.6(ASXL1):c.2552C>T (p.Ser851Phe)

Gene: ASXL1 (ASXL transcriptional regulator 1; plus strand). Cytogenetic location: 20q11.21.
Variant type: single nucleotide variant.
Coding change: c.2552C>T on transcript NM_015338.6 (MANE Select); coding-DNA position 2552, C replaced by T.
Protein change: p.Ser851Phe; replaces serine 851 with phenylalanine.
Molecular consequence: missense variant.
Genome position (GRCh38, 1-based): chr20:32,435,264, C>T. VCF-style: chr20-32435264-C-T. GRCh37 (hg19) VCF-style: chr20-31023067-C-T.
Other names: c.2369C>T, p.Ser790Phe (NM_001363734.1); short protein forms S790F, S851F.
Identifiers: ClinVar variation 3439311 (VCV003439311.1).